The following is an entry in ClinVar:

ClinVar aggregate classification (germline): Uncertain significance (1 of 4 stars; one submission).

Conditions:
Familial cancer of breast. Also called: Hereditary breast cancer; hereditary breast carcinoma; BREAST CANCER, FAMILIAL. Identifiers: Orphanet 227535, MedGen C0346153, MONDO:0016419, OMIM 114480. Disease mechanism: loss of function.

Submission:

Labcorp Genetics (formerly Invitae), Labcorp
Classification: Uncertain significance for Familial cancer of breast. Last evaluated: 2018-12-29. Review status: criteria provided, single submitter. Criteria: Invitae Variant Classification Sherloc (09022015). Collection method: clinical testing. Allele origin: germline.
Comment: Algorithms developed to predict the effect of missense changes on protein structure and function (SIFT, PolyPhen-2, Align-GVGD) all suggest that this variant is likely to be tolerated, but these predictions have not been confirmed by published functional studies and their clinical significance is uncertain. This variant has not been reported in the literature in individuals with BARD1-related conditions. This variant is not present in population databases (ExAC no frequency). This sequence change replaces serine with phenylalanine at codon 515 of the BARD1 protein (p.Ser515Phe). The serine residue is moderately conserved and there is a large physicochemical difference between serine and phenylalanine. In summary, the available evidence is currently insufficient to determine the role of this variant in disease. Therefore, it has been classified as a Variant of Uncertain Significance.

NM_000465.4(BARD1):c.1544C>T (p.Ser515Phe)

Gene: BARD1 (BRCA1 associated RING domain 1; minus strand). Cytogenetic location: 2q35.
Variant type: single nucleotide variant.
Coding change: c.1544C>T on transcript NM_000465.4 (MANE Select); coding-DNA position 1544, C replaced by T.
Protein change: p.Ser515Phe; replaces serine 515 with phenylalanine.
Molecular consequence: missense variant. On other transcripts: non-coding transcript variant (3), intron variant (3).
Genome position (GRCh38, 1-based): chr2:214,767,506, G>A on the plus strand (C>T on the coding strand, the complement: BARD1 is on the minus strand). VCF-style: chr2-214767506-G-A. GRCh37 (hg19) VCF-style: chr2-215632230-G-A.
Other names: c.1487C>T, p.Ser496Phe (NM_001282543.2); c.159-14951C>T (NM_001282548.2); c.216-14951C>T (NM_001282545.2); c.364+24791C>T (NM_001282549.2); short protein forms S496F, S515F.
Identifiers: ClinVar variation 656491 (VCV000656491.9), dbSNP rs746878509, ClinGen allele CA350448167.
Genomic context (GRCh38, chr2:214,767,506, plus strand): 5'-CCATTTTAAAAATAATTTTTACGTTGAACTACTTACACAGCATTTCTGGAGGCTCCATAG[G>A]AAAGTAACAGCTTGACTATATCCACATGCCCATTCTTGGCTGCATCGTGAAGTGGTGAGT-3'
Protein context (NP_000456.2, residues 505-525): GHVDIVKLLL[Ser515Phe]YGASRNAVNI